The following is an entry in ClinVar:

ClinVar aggregate classification (germline): Uncertain significance. Review status: criteria provided, multiple submitters, no conflicts (2 of 4 stars). 2 submissions from 2 submitters: Uncertain significance (2). Last evaluated 2025-07-15.

Conditions:
MAPT-related disorder. Also called: MAPT-related condition; MAPT-Related Disorders.
Frontotemporal dementia (FTD1). Also called: FRONTOTEMPORAL DEMENTIA WITH PARKINSONISM; FRONTOTEMPORAL LOBE DEMENTIA; Dementia, frontotemporal, with or without parkinsonism; MULTIPLE SYSTEM TAUOPATHY WITH PRESENILE DEMENTIA; WILHELMSEN-LYNCH DISEASE; Frontotemporal lobe dementia (FLDEM). Identifiers: Orphanet 282, MedGen C0338451, MONDO:0017276, OMIM 600274, HP:0002145.

Allele frequency attached by ClinVar (database versions not stated): gnomAD 0.00004 and 0.00005; gnomAD exomes 0.00004 and 0.00011; TOPMed 0.00006; ExAC 0.00010.
gnomAD v4.1: 71 of 1,610,106 alleles (0.0044%); highest among the groups gnomAD compares: South Asian, 0.046%; 1 homozygote.

Submissions (2):

PreventionGenetics, part of Exact Sciences
Classification: Uncertain significance for MAPT-related condition. Last evaluated: 2025-07-15. Review status: criteria provided, single submitter. Criteria: ACMG Guidelines, 2015. Collection method: clinical testing. Allele origin: germline.
Comment: The MAPT c.272C>T variant is predicted to result in the amino acid substitution p.Ala91Val. This variant was reported in an individual with Parkinson disease (Table 2, Keyser et al. 2011. PubMed ID: 21344240). This variant is reported in 0.044% of alleles in individuals of South Asian descent in gnomAD. At this time, the clinical significance of this variant is uncertain due to the absence of conclusive functional and genetic evidence.

Labcorp Genetics (formerly Invitae), Labcorp
Classification: Uncertain significance for Frontotemporal dementia. Last evaluated: 2025-06-16. Review status: criteria provided, single submitter. Criteria: Invitae Variant Classification Sherloc (09022015). Collection method: clinical testing. Allele origin: germline.
Comment: This sequence change replaces alanine, which is neutral and non-polar, with valine, which is neutral and non-polar, at codon 91 of the MAPT protein (p.Ala91Val). This variant is present in population databases (rs780582778, gnomAD 0.04%), including at least one homozygous and/or hemizygous individual. This missense change has been observed in individual(s) with clinical features of Parkinson’s disease (PMID: 21344240, 33006106). ClinVar contains an entry for this variant (Variation ID: 460292). An algorithm developed to predict the effect of missense changes on protein structure and function (PolyPhen-2) suggests that this variant is likely to be tolerated. In summary, the available evidence is currently insufficient to determine the role of this variant in disease. Therefore, it has been classified as a Variant of Uncertain Significance.

Literature cited by the submitters: PubMed 21344240 (cited by Labcorp Genetics (formerly Invitae), Labcorp); PubMed 33006106 (cited by Labcorp Genetics (formerly Invitae), Labcorp).

NM_001377265.1(MAPT):c.220+2491C>T

Gene: MAPT (microtubule associated protein tau). Cytogenetic location: 17q21.31.
Variant type: single nucleotide variant.
Coding change: c.220+2491C>T on transcript NM_001377265.1 (MANE Select); 2491 bases into the intron after coding-DNA position 220, C replaced by T.
Molecular consequence: intron variant. On other transcripts: missense variant (4).
Genome position (GRCh38, 1-based): chr17:45,974,436, C>T. VCF-style: chr17-45974436-C-T. GRCh37 (hg19) VCF-style: chr17-44051802-C-T.
Other names: c.272C>T (NM_001123066.3); c.272C>T, p.Ala91Val (NM_001123066.4, NM_001203252.2, NM_005910.6 and 1 more transcripts); c.134-3939C>T (NM_001377268.1, NM_016834.5, NM_016841.5); c.220+2491C>T (NM_001377266.1, NM_001123067.4, NM_001203251.2 and 1 more transcripts); short protein forms A91V.
Identifiers: ClinVar variation 460292 (VCV000460292.10), dbSNP rs780582778, ClinGen allele CA8617592.